The following is an entry in ClinVar:

ClinVar aggregate classification (germline): Pathogenic/Likely pathogenic. Review status: criteria provided, multiple submitters, no conflicts (2 of 4 stars). 2 submissions from 2 submitters: Pathogenic (1); Likely pathogenic (1). Last evaluated 2025-08-13.

Conditions:
Osteogenesis imperfecta type I (OI1). Also called: OI, TYPE I; OSTEOGENESIS IMPERFECTA TARDA; OSTEOGENESIS IMPERFECTA WITH BLUE SCLERAE; Osteogenesis imperfecta type 1; Lobstein's Disease; Lobstein disease. Identifiers: Orphanet 216796, Orphanet 666, MedGen C0023931, MONDO:0008146, OMIM 166200. Disease mechanism: loss of function.
COL1A1-related disorder. Also called: COL1A1-related condition; COL1A1- related disease.

Submissions (2):

3billion
Classification: Likely pathogenic for COL1A1-related disorder. Last evaluated: 2025-08-13. Review status: criteria provided, single submitter. Criteria: ACMG Guidelines, 2015. Collection method: clinical testing. Allele origin: germline. Affected: yes.
Comment: The variant is not observed in the gnomAD v4.1.0 dataset. Predicted Consequence/Location: The variant is located in a mutational hot spot and/or well-established functional domain in which established pathogenic variants have been reported (PMID: 19344236). In silico tool predictions suggest damaging effect of the variant on gene or gene product [REVEL: 0.98 (>=0.6, sensitivity 0.68 and specificity 0.92); 3Cnet: 0.99 (> 0.75, sensitivity 0.96 and precision 0.92)]. The same nucleotide change resulting in the same amino acid change has been previously reported to be associated with COL1A1-related disorder (ClinVar ID: VCV003634727). A different missense change at the same codon (p.Gly638Val) has been reported to be associated with COL1A1-related disorder (ClinVar ID: VCV003338859 /PMID: 17078022). Therefore, this variant is classified as Likely pathogenic according to the recommendation of ACMG/AMP guideline.

Labcorp Genetics (formerly Invitae), Labcorp
Classification: Pathogenic for Osteogenesis imperfecta type I. Last evaluated: 2024-12-26. Review status: criteria provided, single submitter. Criteria: Invitae Variant Classification Sherloc (09022015). Collection method: clinical testing. Allele origin: germline.
Comment: This sequence change replaces glycine, which is neutral and non-polar, with alanine, which is neutral and non-polar, at codon 638 of the COL1A1 protein (p.Gly638Ala). This variant is not present in population databases (gnomAD no frequency). This missense change has been observed in individual(s) with osteogenesis imperfecta (internal data). Invitae Evidence Modeling of protein sequence and biophysical properties (such as structural, functional, and spatial information, amino acid conservation, physicochemical variation, residue mobility, and thermodynamic stability) indicates that this missense variant is expected to disrupt COL1A1 protein function with a positive predictive value of 95%. This variant disrupts the triple helix domain of COL1A1. Glycine residues within the Gly-Xaa-Yaa repeats of the triple helix domain are required for the structure and stability of fibrillar collagens (PMID: 7695699, 8218237, 19344236). In COL1A1, variants affecting these glycine residues are significantly enriched in individuals with disease (PMID: 9016532, 17078022) compared to the general population (ExAC). For these reasons, this variant has been classified as Pathogenic.

Literature cited by the submitters: PubMed 17078022 (cited by 3billion and Labcorp Genetics (formerly Invitae), Labcorp); PubMed 7695699 (cited by Labcorp Genetics (formerly Invitae), Labcorp); PubMed 8218237 (cited by Labcorp Genetics (formerly Invitae), Labcorp); PubMed 19344236 (cited by Labcorp Genetics (formerly Invitae), Labcorp); PubMed 9016532 (cited by Labcorp Genetics (formerly Invitae), Labcorp).

NM_000088.4(COL1A1):c.1913G>C (p.Gly638Ala)

Gene: COL1A1 (collagen type I alpha 1 chain; minus strand). Cytogenetic location: 17q21.33.
Variant type: single nucleotide variant.
Coding change: c.1913G>C on transcript NM_000088.4 (MANE Select); coding-DNA position 1913, G replaced by C.
Protein change: p.Gly638Ala; replaces glycine 638 with alanine.
Molecular consequence: missense variant.
Genome position (GRCh38, 1-based): chr17:50,192,656, C>G on the plus strand (G>C on the coding strand, the complement: COL1A1 is on the minus strand). VCF-style: chr17-50192656-C-G. GRCh37 (hg19) VCF-style: chr17-48270017-C-G.
Other names: short protein forms G638A.
Identifiers: ClinVar variation 3634727 (VCV003634727.3).